The following is an entry in ClinVar:

NM_002907.4(RECQL):c.547G>A (p.Glu183Lys)

Gene: RECQL (RecQ like helicase; minus strand). Cytogenetic location: 12p12.1.
Variant type: single nucleotide variant.
Coding change: c.547G>A on transcript NM_002907.4 (MANE Select); coding-DNA position 547, G replaced by A.
Protein change: p.Glu183Lys; replaces glutamic acid 183 with lysine.
Molecular consequence: missense variant.
Genome position (GRCh38, 1-based): chr12:21,483,529, C>T on the plus strand (G>A on the coding strand, the complement: RECQL is on the minus strand). VCF-style: chr12-21483529-C-T. GRCh37 (hg19) VCF-style: chr12-21636463-C-T.
Other names: c.547G>A, p.Glu183Lys (NM_032941.3); short protein forms E183K.
Identifiers: ClinVar variation 943014 (VCV000943014.18), dbSNP rs542491982, ClinGen allele CA6479032.

ClinVar aggregate classification (germline): Conflicting classifications of pathogenicity. Review status: criteria provided, conflicting classifications (1 of 4 stars). 3 submissions from 3 submitters: Uncertain significance (2); Likely benign (1). Last evaluated 2024-05-26.

Allele frequency attached by ClinVar (database versions not stated): gnomAD exomes 0.00001; ExAC 0.00002; TOPMed 0.00002; gnomAD 0.00004; 1000 Genomes Project 30x 0.00016; 1000 Genomes Project 0.00020.
gnomAD v4.1: 15 of 1,579,598 alleles (0.00095%); highest among the groups gnomAD compares: Middle Eastern, 0.017%; no homozygotes.

Submissions (3):

Ambry Genetics
Classification: Likely benign. Last evaluated: 2024-05-26. Review status: criteria provided, single submitter. Criteria: Ambry Variant Classification Scheme 2023. Collection method: clinical testing. Allele origin: germline.

GeneDx
Classification: Uncertain significance. Last evaluated: 2024-05-06. Review status: criteria provided, single submitter. Criteria: GeneDx Variant Classification Process June 2021. Collection method: clinical testing. Allele origin: germline. Affected: yes.
Comment: Not observed at significant frequency in large population cohorts (gnomAD); In silico analysis indicates that this missense variant does not alter protein structure/function; Has not been previously published as pathogenic or benign to our knowledge; Variants in candidate genes are classified as variants of uncertain significance in accordance with ACMG guidelines (PMID: 25741868); This variant is associated with the following publications: (PMID: 19151156, 27248010)

Labcorp Genetics (formerly Invitae), Labcorp
Classification: Uncertain significance. Last evaluated: 2022-07-19. Review status: criteria provided, single submitter. Criteria: Invitae Variant Classification Sherloc (09022015). Collection method: clinical testing. Allele origin: germline.
Comment: In summary, the available evidence is currently insufficient to determine the role of this variant in disease. Therefore, it has been classified as a Variant of Uncertain Significance. Algorithms developed to predict the effect of missense changes on protein structure and function output the following: SIFT: "Tolerated"; PolyPhen-2: "Benign"; Align-GVGD: "Class C0". The lysine amino acid residue is found in multiple mammalian species, which suggests that this missense change does not adversely affect protein function. ClinVar contains an entry for this variant (Variation ID: 943014). This variant has not been reported in the literature in individuals affected with RECQL-related conditions. This variant is present in population databases (rs542491982, gnomAD 0.009%). This sequence change replaces glutamic acid, which is acidic and polar, with lysine, which is basic and polar, at codon 183 of the RECQL protein (p.Glu183Lys).